The following is an entry in ClinVar:

NM_005343.4(HRAS):c.389C>T (p.Ala130Val)

Genes: HRAS (HRas proto-oncogene, GTPase; minus strand), LRRC56 (leucine rich repeat containing 56; plus strand). Cytogenetic location: 11p15.5.
Variant type: single nucleotide variant.
Coding change: c.389C>T on transcript NM_005343.4 (MANE Select); coding-DNA position 389, C replaced by T.
Protein change: p.Ala130Val; replaces alanine 130 with valine.
Molecular consequence: missense variant.
Genome position (GRCh38, 1-based): chr11:533,514, G>A on the plus strand (C>T on the coding strand, the complement: HRAS is on the minus strand). VCF-style: chr11-533514-G-A. GRCh37 (hg19) VCF-style: chr11-533514-G-A.
Other names: c.389C>T, p.Ala130Val (NM_001130442.3, NM_176795.5); c.70C>T, p.Leu24Phe (NM_001318054.2); short protein forms A130V, L24F.
Identifiers: ClinVar variation 3252346 (VCV003252346.2), dbSNP rs2133986932.

ClinVar aggregate classification (germline): Uncertain significance. Review status: criteria provided, multiple submitters, no conflicts (2 of 4 stars). 2 submissions from 2 submitters: Uncertain significance (2). Last evaluated 2026-01-24.

Conditions:
Costello syndrome (CSTLO). Also called: FACIOCUTANEOSKELETAL SYNDROME; HRAS-Related Costello Syndrome; FCS SYNDROME. Identifiers: Orphanet 3071, MedGen C0587248, MONDO:0009026, OMIM 218040.

Submissions (2):

Labcorp Genetics (formerly Invitae), Labcorp
Classification: Uncertain significance for Costello syndrome. Last evaluated: 2026-01-24. Review status: criteria provided, single submitter. Criteria: Invitae Variant Classification Sherloc (09022015). Collection method: clinical testing. Allele origin: germline.
Comment: This sequence change replaces alanine, which is neutral and non-polar, with valine, which is neutral and non-polar, at codon 130 of the HRAS protein (p.Ala130Val). This variant is not present in population databases (gnomAD no frequency). This variant has not been reported in the literature in individuals affected with HRAS-related conditions. ClinVar contains an entry for this variant (Variation ID: 3252346). Invitae Evidence Modeling of protein sequence and biophysical properties (such as structural, functional, and spatial information, amino acid conservation, physicochemical variation, residue mobility, and thermodynamic stability) has been performed for this missense variant. However, the output from this modeling did not meet the statistical confidence thresholds required to predict the impact of this variant on HRAS protein function. In summary, the available evidence is currently insufficient to determine the role of this variant in disease. Therefore, it has been classified as a Variant of Uncertain Significance.

GeneDx
Classification: Uncertain significance. Last evaluated: 2023-12-07. Review status: criteria provided, single submitter. Criteria: GeneDx Variant Classification Process June 2021. Collection method: clinical testing. Allele origin: germline. Affected: yes.
Comment: Not observed at significant frequency in large population cohorts (gnomAD); Missense variants in this gene are a common cause of disease and they are underrepresented in the general population; In silico analysis supports that this missense variant has a deleterious effect on protein structure/function; Has not been previously published as pathogenic or benign to our knowledge; In silico analysis suggests this variant may impact gene splicing. In the absence of RNA/functional studies, the actual effect of this sequence change is unknown.